The following is an entry in ClinVar:

Conditions:
Breast-ovarian cancer, familial, susceptibility to, 1 (BROVCA1). Also called: BRCA1 Hereditary Breast and Ovarian Cancer; OVARIAN CANCER, SUSCEPTIBILITY TO. Identifiers: Orphanet 145, MedGen C2676676, MONDO:0011450, OMIM 604370. Disease mechanism: loss of function.

Submission:

Brotman Baty Institute, University of Washington
No classification provided (evidence only). Condition: Breast-ovarian cancer, familial 1. Review status: no classification provided. Collection method: in vitro. Allele origin: not applicable. Functional consequence: functionally_normal.
ClinVar note: "not provided" was previously submitted as the classification for the variant. However, the classification appeared to be based only on an observation of functional data so it was converted to no classification on 2025-07-30.

NM_007294.4(BRCA1):c.218T>C (p.Leu73Pro)

Gene: BRCA1 (BRCA1 DNA repair associated; minus strand). Cytogenetic location: 17q21.31.
Variant type: single nucleotide variant.
Coding change: c.218T>C on transcript NM_007294.4 (MANE Select); coding-DNA position 218, T replaced by C.
Protein change: p.Leu73Pro; replaces leucine 73 with proline.
Molecular consequence: missense variant. On other transcripts: non-coding transcript variant (1).
Genome position (GRCh38, 1-based): chr17:43,104,951, A>G on the plus strand (T>C on the coding strand, the complement: BRCA1 is on the minus strand). VCF-style: chr17-43104951-A-G. GRCh37 (hg19) VCF-style: chr17-41256968-A-G.
Other names: c.8T>C, p.Leu3Pro (NM_001407571.1, NM_001407853.1, NM_001407879.1 and 58 more transcripts); c.218T>C, p.Leu73Pro (NM_001407581.1, NM_001407582.1, NM_001407583.1 and 168 more transcripts); c.140T>C, p.Leu47Pro (NM_001407653.1, NM_001407654.1, NM_001407655.1 and 21 more transcripts); c.77T>C, p.Leu26Pro (NM_001407692.1, NM_001407694.1, NM_001407695.1 and 99 more transcripts); c.-164T>C (NM_001407959.1, NM_001407960.1, NM_001407962.1 and 4 more transcripts); c.86T>C, p.Leu29Pro (NM_001408451.1); short protein forms L26P, L73P, L3P, L47P, L29P.
Identifiers: ClinVar variation 865290 (VCV000865290.3), dbSNP rs2054697650, ClinGen allele CA10601726.